The following is an entry in ClinVar:

NM_025137.4(SPG11):c.2664A>T (p.Thr888=)

Gene: SPG11 (SPG11 vesicle trafficking associated, spatacsin; minus strand). Cytogenetic location: 15q21.1.
Variant type: single nucleotide variant.
Coding change: c.2664A>T on transcript NM_025137.4 (MANE Select); coding-DNA position 2664, A replaced by T.
Protein change: p.Thr888=; no amino-acid change (threonine 888 retained).
Molecular consequence: synonymous variant.
Genome position (GRCh38, 1-based): chr15:44,620,360, T>A on the plus strand (A>T on the coding strand, the complement: SPG11 is on the minus strand). VCF-style: chr15-44620360-T-A. GRCh37 (hg19) VCF-style: chr15-44912558-T-A.
Other names: c.2664A>T, p.Thr888= (NM_001160227.2, NM_001411132.1).
Identifiers: ClinVar variation 4534806 (VCV004534806.6).
Genomic context (GRCh38, chr15:44,620,360, plus strand): 5'-ACTATGCTGGGTTTGAAATTCTCCAATCCATAAGATAATGTTTAACCAATCATGGCGAGC[T>A]GTGAGGTATCTCCAGAGGGCTTCAGGGGAATATGATTTGTATTCTACATGAAAAAAAACA-3'
Protein context (NP_079413.3, residues 878-898): YSPEALWRYL[Thr888=]ARHDWLNIIL

ClinVar aggregate classification (germline): Likely benign (1 of 4 stars; one submission).

Submission:

CeGaT Center for Human Genetics Tuebingen
Classification: Likely benign. Last evaluated: 2025-10-01. Review status: criteria provided, single submitter. Criteria: CeGaT Center For Human Genetics Tuebingen Variant Classification Criteria Version 2. Collection method: clinical testing. Allele origin: germline. Affected: yes. Observed: 1 variant allele.
Comment: SPG11: PM2:Supporting, BP4, BP7